The following is an entry in ClinVar:

NM_003482.4(KMT2D):c.1190A>C (p.Lys397Thr)

Gene: KMT2D (lysine methyltransferase 2D; minus strand). Cytogenetic location: 12q13.12.
Variant type: single nucleotide variant.
Coding change: c.1190A>C on transcript NM_003482.4 (MANE Select); coding-DNA position 1190, A replaced by C.
Protein change: p.Lys397Thr; replaces lysine 397 with threonine.
Molecular consequence: missense variant.
Genome position (GRCh38, 1-based): chr12:49,052,632, T>G on the plus strand (A>C on the coding strand, the complement: KMT2D is on the minus strand). VCF-style: chr12-49052632-T-G. GRCh37 (hg19) VCF-style: chr12-49446415-T-G.
Other names: short protein forms K397T.
Identifiers: ClinVar variation 3356894 (VCV003356894.4).

ClinVar aggregate classification (germline): Uncertain significance. Review status: criteria provided, multiple submitters, no conflicts (2 of 4 stars). 3 submissions from 3 submitters: Uncertain significance (2). 1 of the submissions does not count toward it. Last evaluated 2025-08-13.

Conditions:
Kabuki syndrome. Also called: NIIKAWA-KUROKI SYNDROME; Kabuki make-up syndrome. Identifiers: Orphanet 2322, MedGen C0796004, MONDO:0016512.
KMT2D-related disorder. Also called: KMT2D-Related Disorders.
Inborn genetic diseases. Identifiers: MedGen C0950123, MeSH D030342.

gnomAD v4.1: 14 of 1,613,676 alleles (0.00087%); highest among the groups gnomAD compares: Non-Finnish European, 0.0012%; no homozygotes.

Submissions (3):

Ambry Genetics
Classification: Uncertain significance for Inborn genetic diseases. Last evaluated: 2025-08-13. Review status: criteria provided, single submitter. Criteria: Ambry Variant Classification Scheme 2023. Collection method: clinical testing. Allele origin: germline.

Labcorp Genetics (formerly Invitae), Labcorp
Classification: Uncertain significance for Kabuki syndrome. Last evaluated: 2025-01-01. Review status: criteria provided, single submitter. Criteria: Invitae Variant Classification Sherloc (09022015). Collection method: clinical testing. Allele origin: germline.
Comment: This sequence change replaces lysine, which is basic and polar, with threonine, which is neutral and polar, at codon 397 of the KMT2D protein (p.Lys397Thr). This variant is present in population databases (no rsID available, gnomAD 0.0009%). This variant has not been reported in the literature in individuals affected with KMT2D-related conditions. Invitae Evidence Modeling of protein sequence and biophysical properties (such as structural, functional, and spatial information, amino acid conservation, physicochemical variation, residue mobility, and thermodynamic stability) has been performed for this missense variant. However, the output from this modeling did not meet the statistical confidence thresholds required to predict the impact of this variant on KMT2D protein function. In summary, the available evidence is currently insufficient to determine the role of this variant in disease. Therefore, it has been classified as a Variant of Uncertain Significance.

PreventionGenetics, part of Exact Sciences
Classification: Uncertain significance for KMT2D-related condition. Last evaluated: 2024-05-21. Review status: no assertion criteria provided. Collection method: clinical testing. Allele origin: germline. Not counted in ClinVar's aggregate classification.
Comment: The KMT2D c.1190A>C variant is predicted to result in the amino acid substitution p.Lys397Thr. To our knowledge, this variant has not been reported in the literature. This variant is reported in 0.00089% of alleles in individuals of European (Non-Finnish) descent in gnomAD. At this time, the clinical significance of this variant is uncertain due to the absence of conclusive functional and genetic evidence.